The following is an entry in ClinVar:

ClinVar aggregate classification (germline): Uncertain significance (1 of 4 stars; one submission).

Submission:

Labcorp Genetics (formerly Invitae), Labcorp
Classification: Uncertain significance. Last evaluated: 2024-08-13. Review status: criteria provided, single submitter. Criteria: Invitae Variant Classification Sherloc (09022015). Collection method: clinical testing. Allele origin: germline.
Comment: This sequence change creates a premature translational stop signal (p.Gln95*) in the FSCN2 gene. It is expected to result in an absent or disrupted protein product. However, the current clinical and genetic evidence is not sufficient to establish whether loss-of-function variants in FSCN2 cause disease. The frequency data for this variant in the population databases is considered unreliable, as metrics indicate poor data quality at this position in the gnomAD database. This variant has not been reported in the literature in individuals affected with FSCN2-related conditions. ClinVar contains an entry for this variant (Variation ID: 2009575). In summary, the available evidence is currently insufficient to determine the role of this variant in disease. Therefore, it has been classified as a Variant of Uncertain Significance.

NM_012418.4(FSCN2):c.283C>T (p.Gln95Ter)

Gene: FSCN2 (fascin actin-bundling protein 2, retinal; plus strand). Cytogenetic location: 17q25.3.
Variant type: single nucleotide variant.
Coding change: c.283C>T on transcript NM_012418.4 (MANE Select); coding-DNA position 283, C replaced by T.
Protein change: p.Gln95Ter; replaces glutamine 95 with a stop codon.
Molecular consequence: nonsense.
Genome position (GRCh38, 1-based): chr17:81,528,814, C>T. VCF-style: chr17-81528814-C-T. GRCh37 (hg19) VCF-style: chr17-79495840-C-T.
Other names: c.283C>T, p.Gln95Ter (NM_001077182.3); short protein forms Q95*.
Identifiers: ClinVar variation 2009575 (VCV002009575.4), dbSNP rs782777998, ClinGen allele CA8836633.